The following is an entry in ClinVar:

ClinVar aggregate classification (germline): Uncertain significance (1 of 4 stars; one submission).

Conditions:
Glycogen storage disease due to muscle beta-enolase deficiency (GSD13). Also called: ENOLASE 3 DEFICIENCY; ENOLASE-BETA DEFICIENCY; GSD XIII; Glycogen Storage Disease Type XIII. Identifiers: Orphanet 99849, MedGen C2752027, MONDO:0013046, OMIM 612932.

Allele frequency attached by ClinVar (database versions not stated): gnomAD exomes below 0.00001.
gnomAD v4.1: 1 of 1,614,248 alleles (0.000062%); highest among the groups gnomAD compares: Non-Finnish European, 0.000085%; no homozygotes.

Submission:

Labcorp Genetics (formerly Invitae), Labcorp
Classification: Uncertain significance for Glycogen storage disease due to muscle beta-enolase deficiency. Last evaluated: 2018-11-01. Review status: criteria provided, single submitter. Criteria: Invitae Variant Classification Sherloc (09022015). Collection method: clinical testing. Allele origin: germline.
Comment: This variant has not been reported in the literature in individuals with ENO3-related disease. This variant is not present in population databases (ExAC no frequency). This sequence change replaces glycine with glutamic acid at codon 99 of the ENO3 protein (p.Gly99Glu). The glycine residue is highly conserved and there is a moderate physicochemical difference between glycine and glutamic acid. Algorithms developed to predict the effect of missense changes on protein structure and function are either unavailable or do not agree on the potential impact of this missense change (SIFT: "Deleterious"; PolyPhen-2: "Possibly Damaging"; Align-GVGD: "Class C0"). In summary, the available evidence is currently insufficient to determine the role of this variant in disease. Therefore, it has been classified as a Variant of Uncertain Significance.

NM_053013.4(ENO3):c.296G>A (p.Gly99Glu)

Gene: ENO3 (enolase 3; plus strand). Cytogenetic location: 17p13.2.
Variant type: single nucleotide variant.
Coding change: c.296G>A on transcript NM_053013.4 (MANE Select); coding-DNA position 296, G replaced by A.
Protein change: p.Gly99Glu; replaces glycine 99 with glutamic acid.
Molecular consequence: missense variant. On other transcripts: intron variant (1).
Genome position (GRCh38, 1-based): chr17:4,953,327, G>A. VCF-style: chr17-4953327-G-A. GRCh37 (hg19) VCF-style: chr17-4856622-G-A.
Other names: c.296G>A, p.Gly99Glu (NM_001976.5); c.182-385G>A (NM_001193503.2); short protein forms G99E.
Identifiers: ClinVar variation 655560 (VCV000655560.8), dbSNP rs1597699325, ClinGen allele CA397286047.